The following is an entry in ClinVar:

NM_001377295.2(GNAT2):c.-32A>G

Gene: GNAT2 (G protein subunit alpha transducin 2; minus strand). Cytogenetic location: 1p13.3.
Variant type: single nucleotide variant.
Coding change: c.-32A>G on transcript NM_001377295.2 (MANE Select); 32 bases upstream of the start codon, A replaced by G.
Molecular consequence: 5 prime UTR variant.
Genome position (GRCh38, 1-based): chr1:109,612,902, T>C on the plus strand (A>G on the coding strand, the complement: GNAT2 is on the minus strand). VCF-style: chr1-109612902-T-C. GRCh37 (hg19) VCF-style: chr1-110155524-T-C.
Other names: c.-32A>G (NM_001379232.1, NM_005272.5).
Identifiers: ClinVar variation 259742 (VCV000259742.9), dbSNP rs2304355, ClinGen allele CA992548.

ClinVar aggregate classification (germline): Benign. Review status: criteria provided, multiple submitters, no conflicts (2 of 4 stars). 4 submissions from 4 submitters: Benign (4). Last evaluated 2021-08-10.

Conditions:
Achromatopsia 4 (ACHM4). Identifiers: Orphanet 49382, MedGen C1841721, MONDO:0013465, OMIM 613856.

Allele frequency attached by ClinVar (database versions not stated): ESP Exome Variant Server 0.13417; gnomAD exomes 0.15745 and 0.15293; TOPMed 0.12588; gnomAD 0.12857 and 0.13108; ExAC 0.15256; 1000 Genomes Project 30x 0.11790; 1000 Genomes Project 0.12061.
gnomAD v4.1: 207,412 of 1,341,660 alleles (15%); highest among the groups gnomAD compares: South Asian, 19%; 17,231 homozygotes.

Submissions (4):

Genome-Nilou Lab
Classification: Benign for Achromatopsia 4. Last evaluated: 2021-08-10. Review status: criteria provided, single submitter. Criteria: ACMG Guidelines, 2015. Collection method: clinical testing. Allele origin: germline. Affected: no.

Illumina Laboratory Services, Illumina
Classification: Benign for Achromatopsia 4. Last evaluated: 2018-01-12. Review status: criteria provided, single submitter. Criteria: ICSL Variant Classification Criteria 13 December 2019. Collection method: clinical testing. Allele origin: germline.
Comment: This variant was observed in the ICSL laboratory as part of a predisposition screen in an ostensibly healthy population. It had not been previously curated by ICSL or reported in the Human Gene Mutation Database (HGMD: prior to June 1st, 2018), and was therefore a candidate for classification through an automated scoring system. Utilizing variant allele frequency, disease prevalence and penetrance estimates, and inheritance mode, an automated score was calculated to assess if this variant is too frequent to cause the disease. Based on the score and internal cut-off values, a variant classified as benign is not then subjected to further curation. The score for this variant resulted in a classification of benign for this disease.

Breakthrough Genomics
Classification: Benign. Review status: criteria provided, single submitter. Criteria: ACMG Guidelines, 2015. Collection method: not provided. Allele origin: germline. Inheritance: Unknown mechanism. Affected: yes.

PreventionGenetics, part of Exact Sciences
Classification: Benign. Review status: criteria provided, single submitter. Criteria: ACMG Guidelines, 2015. Collection method: clinical testing. Allele origin: germline.